The following is an entry in ClinVar:

NM_001035.3(RYR2):c.4193G>A (p.Ser1398Asn)

Gene: RYR2 (ryanodine receptor 2; plus strand). Cytogenetic location: 1q43.
Variant type: single nucleotide variant.
Coding change: c.4193G>A on transcript NM_001035.3 (MANE Select); coding-DNA position 4193, G replaced by A.
Protein change: p.Ser1398Asn; replaces serine 1398 with asparagine.
Molecular consequence: missense variant.
Genome position (GRCh38, 1-based): chr1:237,591,771, G>A. VCF-style: chr1-237591771-G-A. GRCh37 (hg19) VCF-style: chr1-237755071-G-A.
Other names: short protein forms S1398N.
Identifiers: ClinVar variation 924381 (VCV000924381.13), dbSNP rs761006189, ClinGen allele CA345398451.

ClinVar aggregate classification (germline): Uncertain significance. Review status: criteria provided, multiple submitters, no conflicts (2 of 4 stars). 2 submissions from 2 submitters: Uncertain significance (2). Last evaluated 2025-09-16.

Conditions:
Cardiomyopathy (CMYO). Also called: Cardiomyopathies. Identifiers: Orphanet 167848, MedGen C0878544, MONDO:0004994, HP:0001638. Inheritance: Various modes of inheritance.
Catecholaminergic polymorphic ventricular tachycardia 1. Also called: VENTRICULAR TACHYCARDIA, CATECHOLAMINERGIC POLYMORPHIC, 1, WITH OR WITHOUT ATRIAL DYSFUNCTION AND/OR DILATED CARDIOMYOPATHY; RYR2-Related Catecholaminergic Polymorphic Ventricular Tachycardia; VENTRICULAR TACHYCARDIA, STRESS-INDUCED POLYMORPHIC 1. Identifiers: Orphanet 3286, MedGen C1631597, MONDO:0011484, OMIM 604772.

Submissions (2):

Labcorp Genetics (formerly Invitae), Labcorp
Classification: Uncertain significance for Catecholaminergic polymorphic ventricular tachycardia 1. Last evaluated: 2025-09-16. Review status: criteria provided, single submitter. Criteria: Invitae Variant Classification Sherloc (09022015). Collection method: clinical testing. Allele origin: germline.
Comment: This sequence change replaces serine, which is neutral and polar, with asparagine, which is neutral and polar, at codon 1398 of the RYR2 protein (p.Ser1398Asn). This variant is not present in population databases (gnomAD no frequency). This variant has not been reported in the literature in individuals affected with RYR2-related conditions. ClinVar contains an entry for this variant (Variation ID: 924381). Invitae Evidence Modeling of protein sequence and biophysical properties (such as structural, functional, and spatial information, amino acid conservation, physicochemical variation, residue mobility, and thermodynamic stability) indicates that this missense variant is not expected to disrupt RYR2 protein function with a negative predictive value of 95%. In summary, the available evidence is currently insufficient to determine the role of this variant in disease. Therefore, it has been classified as a Variant of Uncertain Significance.

Color Diagnostics, LLC DBA Color Health
Classification: Uncertain significance for Cardiomyopathy. Last evaluated: 2024-03-07. Review status: criteria provided, single submitter. Criteria: ACMG Guidelines, 2015. Collection method: clinical testing. Allele origin: germline.
Comment: This missense variant replaces serine with asparagine at codon 1398 of the RYR2 protein. Computational prediction suggests that this variant may not impact protein structure and function (internally defined REVEL score threshold <= 0.5, PMID: 27666373). Splice site prediction tools suggest that this variant may not impact RNA splicing. To our knowledge, functional studies have not been performed for this variant. This variant has not been reported in individuals affected with cardiovascular disorders in the literature. This variant has not been identified in the general population by the Genome Aggregation Database (gnomAD). The available evidence is insufficient to determine the role of this variant in disease conclusively. Therefore, this variant is classified as a Variant of Uncertain Significance.